The following is an entry in ClinVar:

ClinVar aggregate classification (germline): Uncertain significance. Review status: criteria provided, multiple submitters, no conflicts (2 of 4 stars). 3 submissions from 3 submitters: Uncertain significance (3). Last evaluated 2025-02-09.

Conditions:
FRAXE. Also called: Fragile XE syndrome; Intellectual developmental disorder, X-linked 109; FRAXE intellectual disability; Intellectual disability, X-linked, FRAXE type; FRAXE Syndrome. Identifiers: Orphanet 100973, MedGen C0751157, MONDO:0010659, OMIM 309548. Disease mechanism: loss of function.

Allele frequency attached by ClinVar (database versions not stated): gnomAD 0.00001 and 0.00002; gnomAD exomes 0.00001 and below 0.00001; TOPMed below 0.00001; ExAC 0.00001; ESP Exome Variant Server 0.00009.
gnomAD v4.1: 5 of 1,209,827 alleles (0.00041%); highest among the groups gnomAD compares: Middle Eastern, 0.023%; no homozygotes.

Submissions (3):

Labcorp Genetics (formerly Invitae), Labcorp
Classification: Uncertain significance. Last evaluated: 2025-02-09. Review status: criteria provided, single submitter. Criteria: Invitae Variant Classification Sherloc (09022015). Collection method: clinical testing. Allele origin: germline.
Comment: This sequence change replaces leucine, which is neutral and non-polar, with phenylalanine, which is neutral and non-polar, at codon 614 of the AFF2 protein (p.Leu614Phe). This variant is present in population databases (rs371160275, gnomAD 0.001%). This variant has not been reported in the literature in individuals affected with AFF2-related conditions. ClinVar contains an entry for this variant (Variation ID: 281219). An algorithm developed to predict the effect of missense changes on protein structure and function (PolyPhen-2) suggests that this variant is likely to be disruptive. In summary, the available evidence is currently insufficient to determine the role of this variant in disease. Therefore, it has been classified as a Variant of Uncertain Significance.

Centre for Mendelian Genomics, University Medical Centre Ljubljana
Classification: Uncertain significance for FRAXE. Last evaluated: 2018-11-30. Review status: criteria provided, single submitter. Criteria: ACMG Guidelines, 2015. Collection method: clinical testing. Allele origin: unknown. Affected: yes.
Comment: This variant was classified as: Uncertain significance. The available evidence on this variant's pathogenicity is insufficient or conflicting. The following ACMG criteria were applied in classifying this variant: BP4. This variant was detected in hemizygous state.

Eurofins Ntd Llc (ga)
Classification: Uncertain significance. Last evaluated: 2015-10-30. Review status: criteria provided, single submitter. Criteria: EGL Classification Definitions 2015. Collection method: clinical testing. Allele origin: germline. Observed: 1 variant allele, 1 heterozygote.

NM_002025.4(AFF2):c.1842G>T (p.Leu614Phe)

Gene: AFF2 (ALF transcription elongation factor 2; plus strand). Cytogenetic location: Xq28.
Variant type: single nucleotide variant.
Coding change: c.1842G>T on transcript NM_002025.4 (MANE Select); coding-DNA position 1842, G replaced by T.
Protein change: p.Leu614Phe; replaces leucine 614 with phenylalanine.
Molecular consequence: missense variant.
Genome position (GRCh38, 1-based): chrX:148,955,887, G>T. VCF-style: chrX-148955887-G-T. GRCh37 (hg19) VCF-style: chrX-148037417-G-T.
Other names: c.1743G>T, p.Leu581Phe (NM_001169122.2); c.1812G>T, p.Leu604Phe (NM_001169123.2); c.1737G>T, p.Leu579Phe (NM_001169124.2); c.1725G>T, p.Leu575Phe (NM_001169125.2); c.765G>T, p.Leu255Phe (NM_001170628.1); short protein forms L614F, L579F, L604F, L575F, L581F, L255F.
Identifiers: ClinVar variation 281219 (VCV000281219.12), dbSNP rs371160275, ClinGen allele CA10537068.
Genomic context (GRCh38, chrX:148,955,887, plus strand): 5'-GAAAGCCCGTCCACGGCCCACTCAGAAAATTCCAGAAACAAAGGCTTTGAAGCATAAGTT[G>T]TCAACAACTAGTGAGACAGTGTCTCAAAGGACAATTGGGAAAAAACAGCCCAAAAAAGTT-3'
Protein context (NP_002016.2, residues 604-624): IPETKALKHK[Leu614Phe]STTSETVSQR